The following is an entry in ClinVar:

NM_000492.4(CFTR):c.2989-3C>T

Genes: CFTR (CF transmembrane conductance regulator; plus strand), CFTR-AS2 (CFTR antisense RNA 2; minus strand), LOC111674472 (DNase I hypersensitive sites in introns 16 and 17a of CFTR; plus strand). Cytogenetic location: 7q31.2.
Variant type: single nucleotide variant.
Coding change: c.2989-3C>T on transcript NM_000492.4 (MANE Select); 3 bases into the intron before coding-DNA position 2989, C replaced by T.
Molecular consequence: intron variant.
Genome position (GRCh38, 1-based): chr7:117,610,516, C>T. VCF-style: chr7-117610516-C-T. GRCh37 (hg19) VCF-style: chr7-117250570-C-T.
Other names: c.2989-3C>T (NM_000492.3).
Identifiers: ClinVar variation 2888793 (VCV002888793.4), dbSNP rs397508471, ClinGen allele CA577680825.

ClinVar aggregate classification (germline): Conflicting classifications of pathogenicity. Review status: criteria provided, conflicting classifications (1 of 4 stars). 2 submissions from 2 submitters: Uncertain significance (1); Likely benign (1). Last evaluated 2026-05-12.

Conditions:
CFTR-related disorder (CFTR-RD). Also called: CFTR-related disorders; CFTR-related condition. Identifiers: MedGen C5924204, MONDO:7770004.
Cystic fibrosis (CF). Also called: MUCOVISCIDOSIS. Identifiers: Orphanet 586, MedGen C0010674, MONDO:0009061, OMIM 219700. Disease mechanism: loss of function.

gnomAD v4.1: 6 of 1,610,944 alleles (0.00037%); highest among the groups gnomAD compares: Non-Finnish European, 0.00034%; no homozygotes.

Submissions (2):

PreventionGenetics, part of Exact Sciences
Classification: Likely benign for CFTR-related condition. Last evaluated: 2026-05-12. Review status: criteria provided, single submitter. Criteria: ACMG Guidelines, 2015. Collection method: clinical testing. Allele origin: germline.
Comment: This variant is classified as likely benign based on ACMG/AMP sequence variant interpretation guidelines (Richards et al. 2015 PMID: 25741868, with internal and published modifications).

Labcorp Genetics (formerly Invitae), Labcorp
Classification: Uncertain significance for Cystic fibrosis. Last evaluated: 2023-11-17. Review status: criteria provided, single submitter. Criteria: Invitae Variant Classification Sherloc (09022015). Collection method: clinical testing. Allele origin: germline.
Comment: This sequence change falls in intron 18 of the CFTR gene. It does not directly change the encoded amino acid sequence of the CFTR protein. It affects a nucleotide within the consensus splice site. This variant is present in population databases (no rsID available, gnomAD no frequency). This variant has not been reported in the literature in individuals affected with CFTR-related conditions. Variants that disrupt the consensus splice site are a relatively common cause of aberrant splicing (PMID: 17576681, 9536098). Algorithms developed to predict the effect of sequence changes on RNA splicing suggest that this variant is not likely to affect RNA splicing. In summary, the available evidence is currently insufficient to determine the role of this variant in disease. Therefore, it has been classified as a Variant of Uncertain Significance.

Literature cited by the submitters: PubMed 17576681 (cited by Labcorp Genetics (formerly Invitae), Labcorp); PubMed 9536098 (cited by Labcorp Genetics (formerly Invitae), Labcorp).